The following is an entry in ClinVar:

ClinVar aggregate classification (germline): Benign/Likely benign. Review status: criteria provided, multiple submitters, no conflicts (2 of 4 stars). 2 submissions from 2 submitters: Benign (1); Likely benign (1). Last evaluated 2025-03-13.

Conditions:
NPHP3-related disorder. Also called: NPHP3-related disorders; NPHP3-related condition. Identifiers: MedGen CN379163.
Nephronophthisis. Also called: Juvenile Nephronophthisis. Identifiers: Orphanet 655, MedGen C0687120, MONDO:0019005, HP:0000090.

Submissions (2):

Labcorp Genetics (formerly Invitae), Labcorp
Classification: Benign for Nephronophthisis. Last evaluated: 2025-03-13. Review status: criteria provided, single submitter. Criteria: Invitae Variant Classification Sherloc (09022015). Collection method: clinical testing. Allele origin: germline.

PreventionGenetics, part of Exact Sciences
Classification: Likely benign for NPHP3-related condition. Last evaluated: 2024-11-04. Review status: criteria provided, single submitter. Criteria: ACMG Guidelines, 2015. Collection method: clinical testing. Allele origin: germline.
Comment: This variant is classified as likely benign based on ACMG/AMP sequence variant interpretation guidelines (Richards et al. 2015 PMID: 25741868, with internal and published modifications).

NM_153240.5(NPHP3):c.3571-3dup

Genes: NPHP3 (nephrocystin 3; minus strand), NPHP3-ACAD11 (NPHP3-ACAD11 readthrough (NMD candidate); minus strand). Cytogenetic location: 3q22.1.
Variant type: Duplication.
Coding change: c.3571-3dup on transcript NM_153240.5 (MANE Select); 3 bases into the intron before coding-DNA position 3571, one base duplicated (T; older notation c.3571-3dupT).
Molecular consequence: intron variant.
Genome position (GRCh38, 1-based): chr3:132,683,527, A duplicated on the plus strand (T on the coding strand, the reverse complement: NPHP3 is on the minus strand); the first of 6 consecutive A bases (chr3:132,683,527-132,683,532); duplicating any one gives the same sequence. VCF-style (leftmost placement, unchanged base first): chr3-132683526-T-TA. GRCh37 (hg19) VCF-style: chr3-132402370-T-TA.
Other names: c.3571-3dupT (NM_153240.4).
Identifiers: ClinVar variation 2771944 (VCV002771944.4), dbSNP rs775946553, ClinGen allele CA2621700.